The following is an entry in ClinVar:

NM_001018115.3(FANCD2):c.3551C>A (p.Ala1184Asp)

Genes: FANCD2 (FA complementation group D2; plus strand), FANCD2OS (FANCD2 opposite strand; minus strand). Cytogenetic location: 3p25.3.
Variant type: single nucleotide variant.
Coding change: c.3551C>A on transcript NM_001018115.3 (MANE Select); coding-DNA position 3551, C replaced by A.
Protein change: p.Ala1184Asp; replaces alanine 1184 with aspartic acid.
Molecular consequence: missense variant. On other transcripts: intron variant (1).
Genome position (GRCh38, 1-based): chr3:10,088,533, C>A. VCF-style: chr3-10088533-C-A. GRCh37 (hg19) VCF-style: chr3-10130217-C-A.
Other names: c.3551C>A, p.Ala1184Asp (NM_001319984.2, NM_001374254.1, NM_033084.6); c.3440C>A, p.Ala1147Asp (NM_001374253.1); c.*44-7002G>T (NM_173472.2); short protein forms A1147D, A1184D.
Identifiers: ClinVar variation 2416093 (VCV002416093.42), dbSNP rs1320417162, ClinGen allele CA351753226.

ClinVar aggregate classification (germline): Uncertain significance (1 of 4 stars; one submission).

Conditions:
Fanconi anemia (FA). Also called: Fanconi's anemia. Identifiers: Orphanet 84, MedGen C0015625, MeSH D005199, MONDO:0019391.

gnomAD v4.1: 1 of 1,599,962 alleles (0.000063%); highest among the groups gnomAD compares: Admixed American, 0.0017%; no homozygotes.

Submission:

Labcorp Genetics (formerly Invitae), Labcorp
Classification: Uncertain significance for Fanconi anemia. Last evaluated: 2022-02-28. Review status: criteria provided, single submitter. Criteria: Invitae Variant Classification Sherloc (09022015). Collection method: clinical testing. Allele origin: germline.
Comment: Algorithms developed to predict the effect of missense changes on protein structure and function output the following: SIFT: "Tolerated"; PolyPhen-2: "Benign"; Align-GVGD: "Class C0". The aspartic acid amino acid residue is found in multiple mammalian species, which suggests that this missense change does not adversely affect protein function. This variant has not been reported in the literature in individuals affected with FANCD2-related conditions. This variant is not present in population databases (gnomAD no frequency). This sequence change replaces alanine, which is neutral and non-polar, with aspartic acid, which is acidic and polar, at codon 1184 of the FANCD2 protein (p.Ala1184Asp). In summary, the available evidence is currently insufficient to determine the role of this variant in disease. Therefore, it has been classified as a Variant of Uncertain Significance.